The following is an entry in ClinVar:

ClinVar aggregate classification (germline): Conflicting classifications of pathogenicity. Review status: criteria provided, conflicting classifications (1 of 4 stars). 11 submissions from 11 submitters: Uncertain significance (1); Benign (5); Likely benign (5). Last evaluated 2026-06-01.

Conditions:
Heterotopia, periventricular, X-linked dominant (PVNH1). Also called: PERIVENTRICULAR NODULAR HETEROTOPIA 1; X-linked periventricular heterotopia; PERIVENTRICULAR NODULAR HETEROTOPIA 4; HETEROTOPIA, PERIVENTRICULAR, 1. Identifiers: Orphanet 2149, Orphanet 82004, MedGen C1848213, MONDO:0010233, OMIM 300049.
Melnick-Needles syndrome (MNS). Also called: MELNICK-NEEDLES OSTEODYSPLASTY; OSTEODYSPLASTY OF MELNICK AND NEEDLES; Melnick-Needles Syndrome (FLNA-MNS). Identifiers: Orphanet 2484, MedGen C0025237, MONDO:0010650, OMIM 309350.
Frontometaphyseal dysplasia (FMD1). Identifiers: Orphanet 1826, MedGen C0265293, MONDO:0015942.
Oto-palato-digital syndrome, type II (OPD2). Also called: FACIOPALATOOSSEOUS SYNDROME; OPD II SYNDROME; Otopalatodigital Syndrome, Type II; Otopalatodigital Syndrome Type 2 (FLNA-OPD2). Identifiers: Orphanet 669, Orphanet 90652, MedGen C1844696, MONDO:0010571, OMIM 304120.
Familial thoracic aortic aneurysm and aortic dissection (TAAD). Also called: Thoracic aortic aneurysms and dissections. Identifiers: Orphanet 91387, MedGen C4707243, MONDO:0019625.

Allele frequency attached by ClinVar (database versions not stated): gnomAD exomes 0.00013 and 0.00037; ExAC 0.00041; ESP Exome Variant Server 0.00059; gnomAD 0.00091 and 0.00098; TOPMed 0.00117; 1000 Genomes Project 0.00132; 1000 Genomes Project 30x 0.00146.
gnomAD v4.1: 251 of 1,209,541 alleles (0.021%); highest among the groups gnomAD compares: African/African-American, 0.31%; 1 homozygote.

Submissions (11):

CeGaT Center for Human Genetics Tuebingen
Classification: Likely benign. Last evaluated: 2026-06-01. Review status: criteria provided, single submitter. Criteria: CeGaT Center For Human Genetics Tuebingen Variant Classification Criteria Version 2. Collection method: clinical testing. Allele origin: germline. Affected: yes. Observed: 1 variant allele.
Comment: FLNA: BP4, BP7, BS2

Molecular Diagnostic Laboratory for Inherited Cardiovascular Disease, Montreal Heart Institute
Classification: Likely benign. Last evaluated: 2026-03-27. Review status: criteria provided, single submitter. Criteria: ACMG Guidelines, 2015. Collection method: clinical testing. Allele origin: germline. Affected: no.
Comment: BS1;BP7

Labcorp Genetics (formerly Invitae), Labcorp
Classification: Benign for Oto-palato-digital syndrome, type II; Heterotopia, periventricular, X-linked dominant; Frontometaphyseal dysplasia; Melnick-Needles syndrome. Last evaluated: 2026-01-12. Review status: criteria provided, single submitter. Criteria: Invitae Variant Classification Sherloc (09022015). Collection method: clinical testing. Allele origin: germline.

Blueprint Genetics
Classification: Likely benign. Last evaluated: 2023-12-13. Review status: criteria provided, single submitter. Criteria: ACMG Guidelines, 2015. Collection method: clinical testing. Allele origin: germline.

Women's Health and Genetics/Laboratory Corporation of America, LabCorp
Classification: Benign. Last evaluated: 2023-08-24. Review status: criteria provided, single submitter. Criteria: LabCorp Variant Classification Summary - May 2015. Collection method: clinical testing. Allele origin: germline.

ARUP Laboratories, Molecular Genetics and Genomics, ARUP Laboratories
Classification: Benign. Last evaluated: 2022-03-21. Review status: criteria provided, single submitter. Criteria: ARUP Molecular Germline Variant Investigation Process 2021. Collection method: clinical testing. Allele origin: germline.

GeneDx
Classification: Likely benign. Last evaluated: 2020-05-26. Review status: criteria provided, single submitter. Criteria: GeneDx Variant Classification Process June 2021. Collection method: clinical testing. Allele origin: germline. Affected: yes.

Athena Diagnostics
Classification: Benign. Last evaluated: 2016-11-21. Review status: criteria provided, single submitter. Criteria: Athena Diagnostics Criteria. Collection method: clinical testing. Allele origin: germline.

Ambry Genetics
Classification: Benign for Familial thoracic aortic aneurysm and aortic dissection. Last evaluated: 2016-01-27. Review status: criteria provided, single submitter. Criteria: Ambry Variant Classification Scheme 2023. Collection method: clinical testing. Allele origin: germline.

Eurofins Ntd Llc (ga)
Classification: Likely benign. Last evaluated: 2015-06-17. Review status: criteria provided, single submitter. Criteria: EGL Classification Definitions 2015. Collection method: clinical testing. Allele origin: germline. Observed: 2 variant alleles, 2 heterozygotes.

Genetic Services Laboratory, University of Chicago
Classification: Uncertain significance. Last evaluated: 2013-06-04. Review status: criteria provided, single submitter. Criteria: ACMG Guidelines, 2007. Collection method: clinical testing. Allele origin: germline. Inheritance: X-linked inheritance.

NM_001110556.2(FLNA):c.1239G>A (p.Thr413=)

Gene: FLNA (filamin A; minus strand). Cytogenetic location: Xq28.
Variant type: single nucleotide variant.
Coding change: c.1239G>A on transcript NM_001110556.2 (MANE Select); coding-DNA position 1239, G replaced by A.
Protein change: p.Thr413=; no amino-acid change (threonine 413 retained).
Molecular consequence: synonymous variant.
Genome position (GRCh38, 1-based): chrX:154,366,214, C>T on the plus strand (G>A on the coding strand, the complement: FLNA is on the minus strand). VCF-style: chrX-154366214-C-T. GRCh37 (hg19) VCF-style: chrX-153594582-C-T.
Other names: c.1239G>A, p.Thr413= (NM_001456.4).
Identifiers: ClinVar variation 129059 (VCV000129059.33), dbSNP rs200278701, ClinGen allele CA231094.